The following is an entry in ClinVar:

ClinVar aggregate classification (germline): Conflicting classifications of pathogenicity. Review status: criteria provided, conflicting classifications (1 of 4 stars). 7 submissions from 7 submitters: Likely pathogenic (5); Uncertain significance (1). 1 of the submissions does not count toward it. Last evaluated 2026-04-05.

Conditions:
Cardiac arrhythmia. Also called: Arrhythmia; Cardiac rhythm disease. Identifiers: MedGen C0003811, MONDO:0007263, HP:0011675.
Familial long QT syndrome (RWS). Also called: Congenital long QT syndrome; Romano-Ward syndrome; VENTRICULAR FIBRILLATION WITH PROLONGED QT INTERVAL. Identifiers: Orphanet 768, MedGen C1141890, MONDO:0019171.
Long QT syndrome (LQTS). Identifiers: MedGen C0023976, MeSH D008133, MONDO:0002442. Disease mechanism: loss of function. Inheritance: Various modes of inheritance.
Long QT syndrome 2 (LQT2). Identifiers: Orphanet 101016, Orphanet 768, MedGen C3150943, MONDO:0013367, OMIM 613688.

Allele frequency attached by ClinVar (database versions not stated): gnomAD exomes below 0.00001; ExAC 0.00001.
gnomAD v4.1: 4 of 1,614,204 alleles (0.00025%); highest among the groups gnomAD compares: Non-Finnish European, 0.00034%; no homozygotes.

Submissions (7):

Department of Molecular Genetics, Istishari Arab Hospital
Classification: Likely pathogenic for Long QT syndrome 2. Last evaluated: 2026-04-05. Review status: criteria provided, single submitter. Criteria: ACMG Guidelines, 2015. Collection method: clinical testing. Allele origin: germline. Inheritance: Autosomal recessive inheritance. Affected: yes.
Comment: The KCNH2 variant c.1262C>T p.Thr421Met causes an amino acid change from Thr to Met at position 421. The variant is observed at an extremely low frequency in the gnomAD v4.1.0 dataset (total allele frequency: <0.001%). This variant has been previously reported in patients with Long QT syndrome (PMIDs: 15840476, 19716085, 19926013, 23136156). It is classified as likely pathogenic according to the recommendations of ACMG/AMP/ClinGen SVI guidelines.

Labcorp Genetics (formerly Invitae), Labcorp
Classification: Likely pathogenic for Long QT syndrome. Last evaluated: 2025-12-09. Review status: criteria provided, single submitter. Criteria: Invitae Variant Classification Sherloc (09022015). Collection method: clinical testing. Allele origin: germline.
Comment: This sequence change replaces threonine, which is neutral and polar, with methionine, which is neutral and non-polar, at codon 421 of the KCNH2 protein (p.Thr421Met). This variant is not present in population databases (gnomAD no frequency). This missense change has been observed in individual(s) with long QT syndrome (PMID: 15840476, 19716085, 19926013, 23136156). ClinVar contains an entry for this variant (Variation ID: 67173). An algorithm developed to predict the effect of missense changes on protein structure and function (PolyPhen-2) suggests that this variant is likely to be disruptive. Experimental studies have shown that this missense change affects KCNH2 function (PMID: 23136156, 23303164, 28280240). This variant disrupts the p.Thr421 amino acid residue in KCNH2. Other variant(s) that disrupt this residue have been observed in individuals with KCNH2-related conditions (internal data), which suggests that this may be a clinically significant amino acid residue. In summary, the currently available evidence indicates that the variant is pathogenic, but additional data are needed to prove that conclusively. Therefore, this variant has been classified as Likely Pathogenic.

Women's Health and Genetics/Laboratory Corporation of America, LabCorp
Classification: Uncertain significance. Last evaluated: 2024-09-23. Review status: criteria provided, single submitter. Criteria: LabCorp Variant Classification Summary - May 2015. Collection method: clinical testing. Allele origin: germline.
Comment: Variant summary: KCNH2 c.1262C>T (p.Thr421Met) results in a non-conservative amino acid change located in the Ion transport domain (IPR005821) of the encoded protein sequence. Five of five in-silico tools predict a damaging effect of the variant on protein function. The frequency data for this variant in gnomAD is considered unreliable, as metrics indicate poor data quality at this position. c.1262C>T has been reported in the literature in an individual affected with long QT syndrome with a sudden near death episode with family history of sudden death (e.g. Balijepali_2012) and in additional individuals affected with Long QT Syndrome without strong evidence for causality (e.g. Tester_2005, Shimizu_2010, Kozek_2021, Kapplinger_2009). These data do not allow any conclusion about variant significance. At least one publication reports experimental evidence evaluating an impact on protein function. The most pronounced variant effect results in a partially trafficking-deficient channel protein with altered channel gating and kinetics of activation and deactivation (e.g. Balijepali_2012). ClinVar contains an entry for this variant (Variation ID: 67173). Based on the evidence outlined above, the variant was classified as VUS-possibly pathogenic.

All of Us Research Program, National Institutes of Health
Classification: Likely pathogenic for Long QT syndrome. Last evaluated: 2024-09-06. Review status: criteria provided, single submitter. Criteria: ACMG Guidelines, 2015. Collection method: clinical testing. Allele origin: germline. Inheritance: Autosomal dominant inheritance. Observed: 2 variant alleles, 2 heterozygotes.
Comment: The c.1262C>T (p.Thr421Met) variant is located on the exon 6 of KCNH2 gene, that encodes for potassium voltage-gated channel subfamily H member 2. This variant has been identified in at least four unrelated individuals affected with long QT syndrome (LQTS) (PMID: 19716085, 23136156, 32893267, 29884292) and in one individual referred for LQTS genetic testing (PMID: 15840476). In-vitro rat myocyte studies demonstrated that when co-expressed with wildtype, this variant causes a dominant negative effect by reducing the potassium current due to abnormal protein trafficking and altered channel gating (PMID: 23136156). In-vivo functional studies using kcnh2-knockdown embryonic zebrafish revealed reduced (5.8%) restoration of normal repolarization (PMID: 23303164). In-silico computational prediction tools suggest that this variant may have deleterious effect on the protein function (REVEL score: 0.95). This variant lies in the transmembrane domain of the protein (404-659 amino acid residues) and missense variants in this region are statistically more likely to be associated with LQTS (PMID: 32893267) phenotype. This variant is absent in the general population database, gnomAD. Therefore, the c.1262C>T (p.Thr421Met) variant in the KCNH2 gene is classified as likely pathogenic.

This study involves interpretation of variants in research participants for the purpose of population health screening. Participant phenotype was not available at the time of variant classification. Additional details can be found in publication PMID: 35346344, PMCID: PMC8962531

Color Diagnostics, LLC DBA Color Health
Classification: Likely pathogenic for Cardiac arrhythmia. Last evaluated: 2024-06-18. Review status: criteria provided, single submitter. Criteria: ACMG Guidelines, 2015. Collection method: clinical testing. Allele origin: germline.
Comment: This missense variant replaces threonine with methionine at codon 421 of the KCNH2 protein. This variant is found within the highly conserved transmembrane S1 region (aa 404-424). Rare non-truncating variants in this region have been shown to be significantly overrepresented in individuals with long QT syndrome (PMID: 32893267). Functional studies have shown that this variant causes a reduction in the membrane expression of KCNH2 protein due to trafficking deficiency and results in reduced potassium channel current and abnormal channel gating (PMID: 23136156, 23303164, 26958806, 28280240). This variant has been reported in a few individuals affected with long QT syndrome (PMID: 15840476, 29884292, 21185501, 32893267). This variant has not been identified in the general population by the Genome Aggregation Database (gnomAD). Based on the available evidence, this variant is classified as Likely Pathogenic.

GeneDx
Classification: Likely pathogenic. Last evaluated: 2023-12-26. Review status: criteria provided, single submitter. Criteria: GeneDx Variant Classification Process June 2021. Collection method: clinical testing. Allele origin: germline. Affected: yes.
Comment: Published functional studies demonstrate a damaging effect: decreased ability to restore normal repolarization in KCNH2-knockdown embryonic zebrafish in vivo and reduced potassium current due to abnormal protein trafficking and altered channel gating in vitro (PMID: 23303164, 23136156); Not observed at significant frequency in large population cohorts (gnomAD); In silico analysis supports that this missense variant has a deleterious effect on protein structure/function; This variant is associated with the following publications: (PMID: 23136156, 19716085, 15840476, 16432067, 22581653, 28476926, 33449212, 35210539, 23303164, 34709746, 30219255)

Cardiovascular Biomedical Research Unit, Royal Brompton & Harefield NHS Foundation Trust
No classification provided. Condition: Familial long QT syndrome. Review status: no classification provided. Collection method: literature only. Allele origin: germline. Not counted in ClinVar's aggregate classification.
Comment: This variant has been reported as associated with Long QT syndrome in the following publications (PMID:15840476;PMID:16432067;PMID:19716085). This is a literature report, and does not necessarily reflect the clinical interpretation of the Imperial College / Royal Brompton Cardiovascular Genetics laboratory.

Literature cited by the submitters: PubMed 15840476 (cited by 6 submitters); PubMed 19716085 (cited by 5 submitters); PubMed 19926013 (cited by 3 submitters); PubMed 23136156 (cited by 5 submitters); PubMed 23303164 (cited by 4 submitters); PubMed 28280240 (cited by Labcorp Genetics (formerly Invitae), Labcorp and Color Diagnostics, LLC DBA Color Health); PubMed 34309407 (cited by Women's Health and Genetics/Laboratory Corporation of America, LabCorp); PubMed 29884292 (cited by All of Us Research Program, National Institutes of Health and Color Diagnostics, LLC DBA Color Health); PubMed 32893267 (cited by All of Us Research Program, National Institutes of Health and Color Diagnostics, LLC DBA Color Health); PubMed 21185501 (cited by Color Diagnostics, LLC DBA Color Health); PubMed 26958806 (cited by Color Diagnostics, LLC DBA Color Health); PubMed 16432067 (cited by Cardiovascular Biomedical Research Unit, Royal Brompton & Harefield NHS Foundation Trust); PubMed 22581653 (cited by Cardiovascular Biomedical Research Unit, Royal Brompton & Harefield NHS Foundation Trust).

NM_000238.4(KCNH2):c.1262C>T (p.Thr421Met)

Gene: KCNH2 (potassium voltage-gated channel subfamily H member 2; minus strand). Cytogenetic location: 7q36.1.
Variant type: single nucleotide variant.
Coding change: c.1262C>T on transcript NM_000238.4 (MANE Select); coding-DNA position 1262, C replaced by T.
Protein change: p.Thr421Met; replaces threonine 421 with methionine.
Molecular consequence: missense variant.
Genome position (GRCh38, 1-based): chr7:150,952,720, G>A on the plus strand (C>T on the coding strand, the complement: KCNH2 is on the minus strand). VCF-style: chr7-150952720-G-A. GRCh37 (hg19) VCF-style: chr7-150649808-G-A.
Other names: p.T421M:ACG>ATG; c.1262C>T (LRG_288t1); c.242C>T, p.Thr81Met (NM_001204798.2, NM_172057.3); c.974C>T, p.Thr325Met (NM_001406753.1, NM_001406756.1); c.1085C>T, p.Thr362Met (NM_001406755.1); c.962C>T, p.Thr321Met (NM_001406757.1); c.1262C>T, p.Thr421Met (NM_172056.3); short protein forms T421M, T81M, T321M, T362M, T325M.
Identifiers: ClinVar variation 67173 (VCV000067173.13), dbSNP rs199472894, ClinGen allele CA004350.